The following is an entry in ClinVar:

NM_000540.3(RYR1):c.8067+1G>T

Gene: RYR1 (ryanodine receptor 1; plus strand). Cytogenetic location: 19q13.2.
Variant type: single nucleotide variant.
Coding change: c.8067+1G>T on transcript NM_000540.3 (MANE Select); the canonical splice donor site of the intron after coding-DNA position 8067, G replaced by T.
Molecular consequence: splice donor variant.
Genome position (GRCh38, 1-based): chr19:38,504,361, G>T. VCF-style: chr19-38504361-G-T. GRCh37 (hg19) VCF-style: chr19-38995001-G-T.
Other names: c.8067+1G>T (NM_001042723.2).
Identifiers: ClinVar variation 1919052 (VCV001919052.5), dbSNP rs2514351792, ClinGen allele CA405676280.

ClinVar aggregate classification (germline): Likely pathogenic (1 of 4 stars; one submission).

Conditions:
RYR1-related disorder. Also called: RYR1-related condition; RYR1-related disorders. Identifiers: MedGen CN239331.

Submission:

Labcorp Genetics (formerly Invitae), Labcorp
Classification: Likely pathogenic for RYR1-related disorder. Last evaluated: 2022-01-12. Review status: criteria provided, single submitter. Criteria: Invitae Variant Classification Sherloc (09022015). Collection method: clinical testing. Allele origin: germline.
Comment: Algorithms developed to predict the effect of sequence changes on RNA splicing suggest that this variant may disrupt the consensus splice site. In summary, the currently available evidence indicates that the variant is pathogenic, but additional data are needed to prove that conclusively. Therefore, this variant has been classified as Likely Pathogenic. This variant is not present in population databases (gnomAD no frequency). This sequence change affects a donor splice site in intron 50 of the RYR1 gene. It is expected to disrupt RNA splicing. Variants that disrupt the donor or acceptor splice site typically lead to a loss of protein function (PMID: 16199547), and loss-of-function variants in RYR1 are known to be pathogenic (PMID: 20583297, 20839240, 23919265, 28818389). This variant has not been reported in the literature in individuals affected with RYR1-related conditions.

Literature cited by the submitters: PubMed 16199547; PubMed 20583297; PubMed 20839240; PubMed 23919265; PubMed 28818389.